The following is an entry in ClinVar:

ClinVar aggregate classification (germline): Uncertain significance (1 of 4 stars; one submission).

Conditions:
Neurofibromatosis, type 1 (NF1). Also called: VON RECKLINGHAUSEN DISEASE; Neurofibromatosis, type I; NEUROFIBROMATOSIS, TYPE I, SOMATIC; Peripheral type neurofibromatosis. Identifiers: Orphanet 636, MedGen C0027831, MONDO:0018975, OMIM 162200. Disease mechanism: loss of function.

Submission:

Labcorp Genetics (formerly Invitae), Labcorp
Classification: Uncertain significance for Neurofibromatosis, type 1. Last evaluated: 2025-05-07. Review status: criteria provided, single submitter. Criteria: Invitae Variant Classification Sherloc (09022015). Collection method: clinical testing. Allele origin: germline.
Comment: This sequence change replaces serine, which is neutral and polar, with threonine, which is neutral and polar, at codon 1474 of the NF1 protein (p.Ser1474Thr). This variant is present in population databases (rs775803412, gnomAD 0.006%). This variant has not been reported in the literature in individuals affected with NF1-related conditions. Invitae Evidence Modeling of protein sequence and biophysical properties (such as structural, functional, and spatial information, amino acid conservation, physicochemical variation, residue mobility, and thermodynamic stability) indicates that this missense variant is expected to disrupt NF1 protein function with a positive predictive value of 95%. In summary, the available evidence is currently insufficient to determine the role of this variant in disease. Therefore, it has been classified as a Variant of Uncertain Significance.

NM_001042492.3(NF1):c.4484G>C (p.Ser1495Thr)

Gene: NF1 (neurofibromin 1; plus strand). Cytogenetic location: 17q11.2.
Variant type: single nucleotide variant.
Coding change: c.4484G>C on transcript NM_001042492.3 (MANE Select); coding-DNA position 4484, G replaced by C.
Protein change: p.Ser1495Thr; replaces serine 1495 with threonine.
Molecular consequence: missense variant.
Genome position (GRCh38, 1-based): chr17:31,260,422, G>C. VCF-style: chr17-31260422-G-C. GRCh37 (hg19) VCF-style: chr17-29587440-G-C.
Other names: c.4421G>C, p.Ser1474Thr (NM_000267.4); short protein forms S1474T, S1495T.
Identifiers: ClinVar variation 4800765 (VCV004800765.1).
Genomic context (GRCh38, chr17:31,260,422, plus strand): 5'-TTTGAAGGTTTTTCCTTGATATAGCATCTGATTGTCCTACAAGTGATGCAGTAAATCATA[G>C]TCTTTCCTTCATAAGTGACGGCAATGTGCTTGCTTTACATCGTCTACTCTGGAACAATCA-3'
Protein context (NP_001035957.1, residues 1485-1505): DCPTSDAVNH[Ser1495Thr]LSFISDGNVL